The following is an entry in ClinVar:

ClinVar aggregate classification (germline): Likely pathogenic (1 of 4 stars; one submission).

Submission:

CeGaT Center for Human Genetics Tuebingen
Classification: Likely pathogenic. Last evaluated: 2025-09-01. Review status: criteria provided, single submitter. Criteria: CeGaT Center For Human Genetics Tuebingen Variant Classification Criteria Version 2. Collection method: clinical testing. Allele origin: germline. Affected: yes. Observed: 1 variant allele.
Comment: CNOT1: PVS1:Strong, PM2, PS2:Moderate

NM_016284.5(CNOT1):c.120_127del (p.Pro41fs)

Gene: CNOT1 (CCR4-NOT transcription complex subunit 1; minus strand). Cytogenetic location: 16q21.
Variant type: Deletion.
Coding change: c.120_127del on transcript NM_016284.5 (MANE Select); coding-DNA positions 120 to 127, 8 bases deleted (TCCTGAGG; older notation c.120_127delTCCTGAGG).
Protein change: p.Pro41fs; shifts the reading frame from proline 41.
Molecular consequence: frameshift variant. On other transcripts: non-coding transcript variant (1).
Genome position (GRCh38, 1-based): chr16:58,588,882-58,588,889, CCTCAGGA deleted on the plus strand (TCCTGAGG on the coding strand, the reverse complement: CNOT1 is on the minus strand); deleting any 8 consecutive bases within chr16:58,588,882-58,588,891 gives the same sequence; the c. name uses the placement nearest the transcript's 3' end. VCF-style (leftmost placement, unchanged base first): chr16-58588881-GCCTCAGGA-G. GRCh37 (hg19) VCF-style: chr16-58622785-GCCTCAGGA-G.
Other names: c.120_127del, p.Pro41fs (NM_001265612.2, NM_206999.3); short protein forms P41fs.
Identifiers: ClinVar variation 4281414 (VCV004281414.7).